The following is an entry in ClinVar:

NM_000218.3(KCNQ1):c.467T>G (p.Leu156Arg)

Gene: KCNQ1 (potassium voltage-gated channel subfamily Q member 1; plus strand). Cytogenetic location: 11p15.5.
Variant type: single nucleotide variant.
Coding change: c.467T>G on transcript NM_000218.3 (MANE Select); coding-DNA position 467, T replaced by G.
Protein change: p.Leu156Arg; replaces leucine 156 with arginine.
Molecular consequence: missense variant.
Genome position (GRCh38, 1-based): chr11:2,528,008, T>G. VCF-style: chr11-2528008-T-G. GRCh37 (hg19) VCF-style: chr11-2549238-T-G.
Other names: c.467T>G, p.Leu156Arg (NM_001406836.1, NM_001406838.1); c.197T>G, p.Leu66Arg (NM_001406837.1); c.86T>G, p.Leu29Arg (NM_181798.2); short protein forms L29R, L66R, L156R.
Identifiers: ClinVar variation 1742392 (VCV001742392.2), dbSNP rs1589931156, ClinGen allele CA379122083.
Genomic context (GRCh38, chr11:2,528,008, plus strand): 5'-GCCTCATCTTCAGCGTGCTGTCCACCATCGAGCAGTATGCCGCCCTGGCCACGGGGACTC[T>G]CTTCTGGATGGTACGTAGCATCTGAGGGCATGGCTGGATGTCATGGCTGCCTTGGAAGCT-3'
Protein context (NP_000209.2, residues 146-166): EQYAALATGT[Leu156Arg]FWMEIVLVVF

ClinVar aggregate classification (germline): Uncertain significance (1 of 4 stars; one submission).

Conditions:
Cardiovascular phenotype. Identifiers: MedGen CN230736.

Submission:

Ambry Genetics
Classification: Uncertain significance for Cardiovascular phenotype. Last evaluated: 2017-04-15. Review status: criteria provided, single submitter. Criteria: Ambry Variant Classification Scheme 2023. Collection method: clinical testing. Allele origin: germline.
Comment: The p.L156R variant (also known as c.467T>G), located in coding exon 2 of the KCNQ1 gene, results from a T to G substitution at nucleotide position 467. The leucine at codon 156 is replaced by arginine, an amino acid with dissimilar properties. This amino acid position is highly conserved in available vertebrate species. In addition, this alteration is predicted to be deleterious by in silico analysis. Since supporting evidence is limited at this time, the clinical significance of this alteration remains unclear.